The following is an entry in ClinVar:

NM_003355.3(UCP2):c.400G>T (p.Ala134Ser)

Gene: UCP2 (uncoupling protein 2; minus strand). Cytogenetic location: 11q13.4.
Variant type: single nucleotide variant.
Coding change: c.400G>T on transcript NM_003355.3 (MANE Select); coding-DNA position 400, G replaced by T.
Protein change: p.Ala134Ser; replaces alanine 134 with serine.
Molecular consequence: missense variant. On other transcripts: intron variant (1).
Genome position (GRCh38, 1-based): chr11:73,976,955, C>A on the plus strand (G>T on the coding strand, the complement: UCP2 is on the minus strand). VCF-style: chr11-73976955-C-A. GRCh37 (hg19) VCF-style: chr11-73688000-C-A.
Other names: c.400G>T, p.Ala134Ser (NM_001381943.1, NM_001381944.1, NM_001381945.1 and 3 more transcripts); c.338-213G>T (NM_001381950.1); short protein forms A134S.
Identifiers: ClinVar variation 4776071 (VCV004776071.1).

ClinVar aggregate classification (germline): Uncertain significance (1 of 4 stars; one submission).

gnomAD v4.1: 3 of 1,608,320 alleles (0.00019%); highest among the groups gnomAD compares: African/African-American, 0.004%; no homozygotes.

Submission:

Labcorp Genetics (formerly Invitae), Labcorp
Classification: Uncertain significance. Last evaluated: 2025-08-16. Review status: criteria provided, single submitter. Criteria: Invitae Variant Classification Sherloc (09022015). Collection method: clinical testing. Allele origin: germline.
Comment: This sequence change replaces alanine, which is neutral and non-polar, with serine, which is neutral and polar, at codon 134 of the UCP2 protein (p.Ala134Ser). This variant is present in population databases (no rsID available, gnomAD 0.007%). This variant has not been reported in the literature in individuals affected with UCP2-related conditions. An algorithm developed to predict the effect of missense changes on protein structure and function (PolyPhen-2) suggests that this variant is likely to be disruptive. In summary, the available evidence is currently insufficient to determine the role of this variant in disease. Therefore, it has been classified as a Variant of Uncertain Significance.